The following is an entry in ClinVar:

ClinVar aggregate classification (germline): Uncertain significance. Review status: criteria provided, multiple submitters, no conflicts (2 of 4 stars). 3 submissions from 3 submitters: Uncertain significance (3). Last evaluated 2025-06-14.

Conditions:
Tremor, hereditary essential, 4 (ETM4). Identifiers: MedGen C3539195, MONDO:0013888, OMIM 614782.
Amyotrophic lateral sclerosis type 6. Also called: FUS-Related Amyotrophic Laterial Sclerosis; Amyotrophic lateral sclerosis 6, with or without frontotemporal dementia; AMYOTROPHIC LATERAL SCLEROSIS 6 WITHOUT FRONTOTEMPORAL DEMENTIA. Identifiers: Orphanet 275872, Orphanet 803, MedGen C2931786, MONDO:0011951, OMIM 608030.

Allele frequency attached by ClinVar (database versions not stated): gnomAD exomes below 0.00001; gnomAD 0.00001.
gnomAD v4.1: 4 of 1,614,020 alleles (0.00025%); highest among the groups gnomAD compares: East Asian, 0.0022%; no homozygotes.

Submissions (3):

Labcorp Genetics (formerly Invitae), Labcorp
Classification: Uncertain significance for Tremor, hereditary essential, 4; Amyotrophic lateral sclerosis type 6. Last evaluated: 2025-06-14. Review status: criteria provided, single submitter. Criteria: Invitae Variant Classification Sherloc (09022015). Collection method: clinical testing. Allele origin: germline.
Comment: This sequence change replaces proline, which is neutral and non-polar, with leucine, which is neutral and non-polar, at codon 459 of the FUS protein (p.Pro459Leu). This variant is present in population databases (no rsID available, gnomAD no frequency). This missense change has been observed in individual(s) with clinical features of FUS-related conditions (PMID: 30279455). ClinVar contains an entry for this variant (Variation ID: 430234). An algorithm developed to predict the effect of missense changes on protein structure and function (PolyPhen-2) suggests that this variant is likely to be disruptive. In summary, the available evidence is currently insufficient to determine the role of this variant in disease. Therefore, it has been classified as a Variant of Uncertain Significance.

Illumina Laboratory Services, Illumina
Classification: Uncertain significance for Amyotrophic lateral sclerosis type 6. Last evaluated: 2018-01-12. Review status: criteria provided, single submitter. Criteria: ICSL Variant Classification Criteria 13 December 2019. Collection method: clinical testing. Allele origin: germline.

GeneDx
Classification: Uncertain significance. Last evaluated: 2017-05-22. Review status: criteria provided, single submitter. Criteria: GeneDx Variant Classification (06012015). Collection method: clinical testing. Allele origin: germline. Affected: yes.
Comment: The P459L variant in the FUS gene has not been reported previously as a pathogenic variant, nor as a benign variant, to our knowledge. This variant is not observed in large population cohorts (Lek et al., 2016; 1000 Genomes Consortium et al., 2015; Exome Variant Server). The P459L variant is a semi-conservative amino acid substitution, which may impact secondary protein structure as these residues differ in some properties. In addition, this substitution occurs at a position that is conserved across mammalian species, and in silico analysis predicts this variant is probably damaging to the protein structure/function. We interpret P459L as a variant of uncertain significance.

Literature cited by the submitters: PubMed 30279455 (cited by Labcorp Genetics (formerly Invitae), Labcorp).

NM_004960.4(FUS):c.1376C>T (p.Pro459Leu)

Gene: FUS (FUS RNA binding protein; plus strand). Cytogenetic location: 16p11.2.
Variant type: single nucleotide variant.
Coding change: c.1376C>T on transcript NM_004960.4 (MANE Select); coding-DNA position 1376, C replaced by T.
Protein change: p.Pro459Leu; replaces proline 459 with leucine.
Molecular consequence: missense variant. On other transcripts: non-coding transcript variant (1).
Genome position (GRCh38, 1-based): chr16:31,190,825, C>T. VCF-style: chr16-31190825-C-T. GRCh37 (hg19) VCF-style: chr16-31202146-C-T.
Other names: c.1373C>T, p.Pro458Leu (NM_001170634.1); c.1364C>T, p.Pro455Leu (NM_001170937.1); short protein forms P459L, P458L, P455L.
Identifiers: ClinVar variation 430234 (VCV000430234.9), dbSNP rs1131691846, ClinGen allele CA395675519.